The following is an entry in ClinVar:

ClinVar aggregate classification (germline): Uncertain significance (1 of 4 stars; one submission).

Conditions:
Cardiovascular phenotype. Identifiers: MedGen CN230736.

gnomAD v4.1: 1 of 1,613,430 alleles (0.000062%); highest among the groups gnomAD compares: Non-Finnish European, 0.000085%; no homozygotes.

Submission:

Ambry Genetics
Classification: Uncertain significance for Cardiovascular phenotype. Last evaluated: 2018-09-12. Review status: criteria provided, single submitter. Criteria: Ambry Variant Classification Scheme 2023. Collection method: clinical testing. Allele origin: germline.
Comment: The p.W16654R variant (also known as c.49960T>C), located in coding exon 153 of the TTN gene, results from a T to C substitution at nucleotide position 49960. The tryptophan at codon 16654 is replaced by arginine, an amino acid with dissimilar properties. This amino acid position is highly conserved in available vertebrate species. In addition, this alteration is predicted to be deleterious by in silico analysis. Since supporting evidence is limited at this time, the clinical significance of this alteration remains unclear.

NM_001267550.2(TTN):c.77155T>C (p.Trp25719Arg)

Genes: TTN (titin; minus strand), TTN-AS1 (TTN antisense RNA 1; plus strand). Cytogenetic location: 2q31.2.
Variant type: single nucleotide variant.
Coding change: c.77155T>C on transcript NM_001267550.2 (MANE Select); coding-DNA position 77155, T replaced by C.
Protein change: p.Trp25719Arg; replaces tryptophan 25719 with arginine.
Molecular consequence: missense variant.
Genome position (GRCh38, 1-based): chr2:178,568,977, A>G on the plus strand (T>C on the coding strand, the complement: TTN is on the minus strand). VCF-style: chr2-178568977-A-G. GRCh37 (hg19) VCF-style: chr2-179433704-A-G.
Other names: c.72232T>C, p.Trp24078Arg (NM_001256850.1); c.49960T>C, p.Trp16654Arg (NM_003319.4); c.69451T>C, p.Trp23151Arg (NM_133378.4); c.50335T>C, p.Trp16779Arg (NM_133432.3); c.50536T>C, p.Trp16846Arg (NM_133437.4); short protein forms W16654R, W16779R, W23151R, W16846R, W24078R, W25719R.
Identifiers: ClinVar variation 1744617 (VCV001744617.2), dbSNP rs2468385537, ClinGen allele CA349612214.